The following is an entry in ClinVar:

ClinVar aggregate classification (germline): Pathogenic (1 of 4 stars; one submission).

Conditions:
Osteogenesis imperfecta type I (OI1). Also called: Classic Non-deforming Osteogenesis Imperfecta with Blue Sclerae; OI, TYPE I; OSTEOGENESIS IMPERFECTA TARDA; OSTEOGENESIS IMPERFECTA WITH BLUE SCLERAE; Osteogenesis imperfecta type 1; Lobstein's Disease. Identifiers: Orphanet 216796, Orphanet 666, MedGen C0023931, MONDO:0008146, OMIM 166200. Disease mechanism: loss of function.

Submission:

Labcorp Genetics (formerly Invitae), Labcorp
Classification: Pathogenic for Osteogenesis imperfecta type I. Last evaluated: 2024-05-09. Review status: criteria provided, single submitter. Criteria: Invitae Variant Classification Sherloc (09022015). Collection method: clinical testing. Allele origin: germline.
Comment: This sequence change affects a donor splice site in intron 1 of the COL1A1 gene. It is expected to disrupt RNA splicing. Variants that disrupt the donor or acceptor splice site typically lead to a loss of protein function (PMID: 16199547), and loss-of-function variants in COL1A1 are known to be pathogenic (PMID: 7942841, 9295084, 9443882). This variant is not present in population databases (gnomAD no frequency). Disruption of this splice site has been observed in individuals with autosomal dominant osteogenesis imperfecta (PMID: 27519266). Algorithms developed to predict the effect of sequence changes on RNA splicing suggest that this variant may disrupt the consensus splice site. For these reasons, this variant has been classified as Pathogenic.

Literature cited by the submitters: PubMed 16199547; PubMed 7942841; PubMed 9295084; PubMed 9443882; PubMed 27519266.

NM_000088.4(COL1A1):c.103+1G>T

Gene: COL1A1 (collagen type I alpha 1 chain; minus strand). Cytogenetic location: 17q21.33.
Variant type: single nucleotide variant.
Coding change: c.103+1G>T on transcript NM_000088.4 (MANE Select); the canonical splice donor site of the intron after coding-DNA position 103, G replaced by T.
Molecular consequence: splice donor variant.
Genome position (GRCh38, 1-based): chr17:50,201,410, C>A on the plus strand (G>T on the coding strand, the complement: COL1A1 is on the minus strand). VCF-style: chr17-50201410-C-A. GRCh37 (hg19) VCF-style: chr17-48278771-C-A.
Identifiers: ClinVar variation 3651492 (VCV003651492.2).